The following is an entry in ClinVar:

NM_015909.4(NBAS):c.3135-8A>G

Gene: NBAS (NBAS subunit of NRZ tethering complex; minus strand). Cytogenetic location: 2p24.3.
Variant type: single nucleotide variant.
Coding change: c.3135-8A>G on transcript NM_015909.4 (MANE Select); 8 bases into the intron before coding-DNA position 3135, A replaced by G.
Molecular consequence: intron variant.
Genome position (GRCh38, 1-based): chr2:15,394,357, T>C on the plus strand (A>G on the coding strand, the complement: NBAS is on the minus strand). VCF-style: chr2-15394357-T-C. GRCh37 (hg19) VCF-style: chr2-15534481-T-C.
Identifiers: ClinVar variation 737810 (VCV000737810.10), dbSNP rs373914055, ClinGen allele CA1536125.

ClinVar aggregate classification (germline): Likely benign. Review status: criteria provided, multiple submitters, no conflicts (2 of 4 stars). 3 submissions from 3 submitters: Likely benign (3). Last evaluated 2026-08-05.

Conditions:
NBAS-related disorder. Also called: NBAS-related condition.

Allele frequency attached by ClinVar (database versions not stated): gnomAD 0.00028 and 0.00029; TOPMed 0.00032; gnomAD exomes 0.00041 and 0.00047; ESP Exome Variant Server 0.00054; ExAC 0.00071.
gnomAD v4.1: 637 of 1,612,112 alleles (0.04%); highest among the groups gnomAD compares: Non-Finnish European, 0.048%; no homozygotes.

Submissions (3):

PreventionGenetics, part of Exact Sciences
Classification: Likely benign for NBAS-related condition. Last evaluated: 2026-08-05. Review status: criteria provided, single submitter. Criteria: ACMG Guidelines, 2015. Collection method: clinical testing. Allele origin: germline.
Comment: This variant is classified as likely benign based on ACMG/AMP sequence variant interpretation guidelines (Richards et al. 2015 PMID: 25741868, with internal and published modifications).

Labcorp Genetics (formerly Invitae), Labcorp
Classification: Likely benign. Last evaluated: 2026-02-01. Review status: criteria provided, single submitter. Criteria: Invitae Variant Classification Sherloc (09022015). Collection method: clinical testing. Allele origin: germline.

Blueprint Genetics
Classification: Likely benign. Last evaluated: 2024-11-20. Review status: criteria provided, single submitter. Criteria: ACMG Guidelines, 2015. Collection method: clinical testing. Allele origin: germline.